The following is an entry in ClinVar:

NM_032043.3(BRIP1):c.428A>T (p.Gln143Leu)

Gene: BRIP1 (BRCA1 interacting DNA helicase 1; minus strand). Cytogenetic location: 17q23.2.
Variant type: single nucleotide variant.
Coding change: c.428A>T on transcript NM_032043.3 (MANE Select); coding-DNA position 428, A replaced by T.
Protein change: p.Gln143Leu; replaces glutamine 143 with leucine.
Molecular consequence: missense variant.
Genome position (GRCh38, 1-based): chr17:61,849,208, T>A on the plus strand (A>T on the coding strand, the complement: BRIP1 is on the minus strand). VCF-style: chr17-61849208-T-A. GRCh37 (hg19) VCF-style: chr17-59926569-T-A.
Other names: short protein forms Q143L.
Identifiers: ClinVar variation 2118295 (VCV002118295.4), dbSNP rs1603362656, ClinGen allele CA400484519.

ClinVar aggregate classification (germline): Uncertain significance (1 of 4 stars; one submission).

Conditions:
Fanconi anemia complementation group J. Also called: BRIP1-Related Fanconi Anemia. Identifiers: Orphanet 84, MedGen C1836860, MONDO:0012187, OMIM 609054.
Familial cancer of breast. Also called: BREAST CANCER, FAMILIAL; hereditary breast carcinoma; Hereditary breast cancer. Identifiers: Orphanet 227535, MedGen C0346153, MONDO:0016419, OMIM 114480. Disease mechanism: loss of function.

Submission:

Labcorp Genetics (formerly Invitae), Labcorp
Classification: Uncertain significance for Familial cancer of breast; Fanconi anemia complementation group J. Last evaluated: 2022-03-27. Review status: criteria provided, single submitter. Criteria: Invitae Variant Classification Sherloc (09022015). Collection method: clinical testing. Allele origin: germline.
Comment: This variant has not been reported in the literature in individuals affected with BRIP1-related conditions. In summary, the available evidence is currently insufficient to determine the role of this variant in disease. Therefore, it has been classified as a Variant of Uncertain Significance. Algorithms developed to predict the effect of sequence changes on RNA splicing suggest that this variant may create or strengthen a splice site. Algorithms developed to predict the effect of missense changes on protein structure and function (SIFT, PolyPhen-2, Align-GVGD) all suggest that this variant is likely to be tolerated. This variant is not present in population databases (gnomAD no frequency). This sequence change replaces glutamine, which is neutral and polar, with leucine, which is neutral and non-polar, at codon 143 of the BRIP1 protein (p.Gln143Leu).